The following is an entry in ClinVar:

NM_152644.3(FAM24B):c.5C>T (p.Pro2Leu)

Genes: FAM24B (family with sequence similarity 24 member B; minus strand), FAM24B-CUZD1 (FAM24B-CUZD1 readthrough; minus strand). Cytogenetic location: 10q26.13.
Variant type: single nucleotide variant.
Coding change: c.5C>T on transcript NM_152644.3 (MANE Select); coding-DNA position 5, C replaced by T.
Protein change: p.Pro2Leu; replaces proline 2 with leucine.
Molecular consequence: missense variant.
Genome position (GRCh38, 1-based): chr10:122,850,511, G>A on the plus strand (C>T on the coding strand, the complement: FAM24B is on the minus strand). VCF-style: chr10-122850511-G-A. GRCh37 (hg19) VCF-style: chr10-124610027-G-A.
Other names: c.5C>T, p.Pro2Leu (NM_001204364.1); short protein forms P2L.
Identifiers: ClinVar variation 1280358 (VCV001280358.2), dbSNP rs1891110, ClinGen allele CA5729440.
Genomic context (GRCh38, chr10:122,850,511, plus strand): 5'-AGACAGAGCACGACAACTATCAGCAGGAGCAAGGCCGCCAGGATACCACCAGCGATGACA[G>A]GCATAATCACTGTATGGAGGTCAAAAGACTTCGATGTACCTAGGCAGATAAGTGCAAGCA-3'
Protein context (NP_689857.2, residues 1-12): M[Pro2Leu]VIAGGILAAL

ClinVar aggregate classification (germline): Benign. Review status: criteria provided, multiple submitters, no conflicts (2 of 4 stars). 2 submissions from 2 submitters: Benign (2). Last evaluated 2019-01-10.

Allele frequency attached by ClinVar (database versions not stated): 1000 Genomes Project 30x 0.50000; 1000 Genomes Project 0.50240; TOPMed 0.52834; ExAC 0.52839; gnomAD exomes 0.52959 and 0.54747; gnomAD 0.53960 and 0.54343; ESP Exome Variant Server 0.54313.
gnomAD v4.1: 879,120 of 1,608,986 alleles (55%); highest among the groups gnomAD compares: Non-Finnish European, 56%; 242,110 homozygotes.

Submissions (2):

GeneDx
Classification: Benign. Last evaluated: 2019-01-10. Review status: criteria provided, single submitter. Criteria: GeneDx Variant Classification Process June 2021. Collection method: clinical testing. Allele origin: germline. Affected: yes.
Comment: This variant is associated with the following publications: (PMID: 29083408)

Breakthrough Genomics
Classification: Benign. Review status: criteria provided, single submitter. Criteria: ACMG Guidelines, 2015. Collection method: not provided. Allele origin: germline. Inheritance: Unknown mechanism. Affected: yes.